The following is an entry in ClinVar:

NM_004082.5(DCTN1):c.1685C>T (p.Thr562Ile)

Gene: DCTN1 (dynactin subunit 1; minus strand). Cytogenetic location: 2p13.1.
Variant type: single nucleotide variant.
Coding change: c.1685C>T on transcript NM_004082.5 (MANE Select); coding-DNA position 1685, C replaced by T.
Protein change: p.Thr562Ile; replaces threonine 562 with isoleucine.
Molecular consequence: missense variant. On other transcripts: non-coding transcript variant (1).
Genome position (GRCh38, 1-based): chr2:74,369,114, G>A on the plus strand (C>T on the coding strand, the complement: DCTN1 is on the minus strand). VCF-style: chr2-74369114-G-A. GRCh37 (hg19) VCF-style: chr2-74596241-G-A.
Other names: c.1625C>T, p.Thr542Ile (NM_001135040.3); c.1283C>T, p.Thr428Ile (NM_001135041.3, NM_023019.4); c.1574C>T, p.Thr525Ile (NM_001190836.2); c.1664C>T, p.Thr555Ile (NM_001190837.2); c.1634C>T, p.Thr545Ile (NM_001378991.1); c.1616C>T, p.Thr539Ile (NM_001378992.1); short protein forms T525I, T539I, T428I, T562I, T542I, T545I, T555I.
Identifiers: ClinVar variation 2173120 (VCV002173120.26), dbSNP rs757949651, ClinGen allele CA1722079.
Genomic context (GRCh38, chr2:74,369,114, plus strand): 5'-TTCATCCCAGGCAGGGCTCCCTCAGACCCACACACTTTCCTGACCTTGGCATGGGCCTTA[G>A]TCTCAGCAAACTTGATTTTGAAGTCAAAGGTCTCTGGAGGTGGCTGCTGTTGCCTCTCCA-3'
Protein context (NP_004073.2, residues 552-572): TFDFKIKFAE[Thr562Ile]KAHAKAIEME

ClinVar aggregate classification (germline): Uncertain significance. Review status: criteria provided, multiple submitters, no conflicts (2 of 4 stars). 2 submissions from 2 submitters: Uncertain significance (2). Last evaluated 2023-12-01.

Conditions:
Amyotrophic lateral sclerosis type 1 (ALS1). Also called: AMYOTROPHIC LATERAL SCLEROSIS 1, FAMILIAL. Identifiers: Orphanet 803, MedGen C1862939, MONDO:0007103, OMIM 105400.
Perry syndrome. Also called: PARKINSONISM WITH ALVEOLAR HYPOVENTILATION AND MENTAL DEPRESSION. Identifiers: Orphanet 178509, MedGen C1868594, MONDO:0008201, OMIM 168605.
Neuronopathy, distal hereditary motor, type 7B. Also called: LOWER MOTOR NEURON DISEASE, DYNACTIN TYPE; Distal Hereditary Motor Neuronopathy Type 7B (dHMN7B); NEURONOPATHY, DISTAL HEREDITARY MOTOR, AUTOSOMAL DOMINANT 14; NEURONOPATHY, DISTAL HEREDITARY MOTOR, HARDING TYPE VIIB; NEUROPATHY, DISTAL HEREDITARY MOTOR, HARDING TYPE VIIB; NEUROPATHY, DISTAL HEREDITARY MOTOR, WITH VOCAL CORD PARALYSIS, HARDING TYPE VIIB. Identifiers: Orphanet 139589, MedGen C1843315, MONDO:0011879, OMIM 607641.

Allele frequency attached by ClinVar (database versions not stated): TOPMed below 0.00001; ExAC 0.00001.

Submissions (2):

CeGaT Center for Human Genetics Tuebingen
Classification: Uncertain significance. Last evaluated: 2023-12-01. Review status: criteria provided, single submitter. Criteria: CeGaT Center For Human Genetics Tuebingen Variant Classification Criteria Version 2. Collection method: clinical testing. Allele origin: germline. Affected: yes. Observed: 1 variant allele.
Comment: DCTN1: PM2, PP3

Labcorp Genetics (formerly Invitae), Labcorp
Classification: Uncertain significance for Amyotrophic lateral sclerosis type 1; Neuronopathy, distal hereditary motor, type 7B; Perry syndrome. Last evaluated: 2022-07-22. Review status: criteria provided, single submitter. Criteria: Invitae Variant Classification Sherloc (09022015). Collection method: clinical testing. Allele origin: germline.
Comment: This sequence change replaces threonine, which is neutral and polar, with isoleucine, which is neutral and non-polar, at codon 562 of the DCTN1 protein (p.Thr562Ile). This variant is present in population databases (rs757949651, gnomAD 0.0009%). This variant has not been reported in the literature in individuals affected with DCTN1-related conditions. Algorithms developed to predict the effect of missense changes on protein structure and function (SIFT, PolyPhen-2, Align-GVGD) all suggest that this variant is likely to be disruptive. In summary, the available evidence is currently insufficient to determine the role of this variant in disease. Therefore, it has been classified as a Variant of Uncertain Significance.